The following is an entry in ClinVar:

ClinVar aggregate classification (germline): Pathogenic (1 of 4 stars; one submission).

Conditions:
GNE myopathy (NM). Also called: MYOPATHY, DISTAL, WITH OR WITHOUT RIMMED VACUOLES; INCLUSION BODY MYOPATHY, HEREDITARY, AUTOSOMAL RECESSIVE; IBM 2; Inclusion body myopathy autosomal recessive; Inclusion body myopathy quadriceps sparing; NONAKA DISTAL MYOPATHY. Identifiers: Orphanet 602, MedGen C1853926, MONDO:0011603, OMIM 605820.
Sialuria. Also called: Sialic Acid Storage Disease; SIALURIA, FRENCH TYPE. Identifiers: Orphanet 3166, MedGen C0342853, MONDO:0010028, OMIM 269921.

Submission:

Labcorp Genetics (formerly Invitae), Labcorp
Classification: Pathogenic for Sialuria; GNE myopathy. Last evaluated: 2021-10-28. Review status: criteria provided, single submitter. Criteria: Invitae Variant Classification Sherloc (09022015). Collection method: clinical testing. Allele origin: germline.
Comment: This sequence change creates a premature translational stop signal (p.Leu349Glyfs*20) in the GNE gene. It is expected to result in an absent or disrupted protein product. Loss-of-function variants in GNE are known to be pathogenic (PMID: 24027297). This variant is not present in population databases (gnomAD no frequency). This variant has not been reported in the literature in individuals affected with GNE-related conditions. For these reasons, this variant has been classified as Pathogenic.

Literature cited by the submitters: PubMed 24027297.

NM_005476.7(GNE):c.952_953del (p.Leu318fs)

Gene: GNE (glucosamine (UDP-N-acetyl)-2-epimerase/N-acetylmannosamine kinase; minus strand). Cytogenetic location: 9p13.3.
Variant type: Deletion.
Coding change: c.952_953del on transcript NM_005476.7 (MANE Select); coding-DNA positions 952 to 953, 2 bases deleted (CT; older notation c.952_953delCT).
Protein change: p.Leu318fs; shifts the reading frame from leucine 318.
Molecular consequence: frameshift variant.
Genome position (GRCh38, 1-based): chr9:36,233,949-36,233,950, AG deleted on the plus strand (CT on the coding strand, the reverse complement: GNE is on the minus strand). VCF-style (leftmost placement, unchanged base first): chr9-36233948-CAG-C. GRCh37 (hg19) VCF-style: chr9-36233945-CAG-C.
Other names: c.1045_1046del, p.Leu349fs (NM_001128227.3); c.952_953del, p.Leu318fs (NM_001190383.3); c.622_623del, p.Leu208fs (NM_001190384.3); c.775_776del, p.Leu259fs (NM_001190388.2, NM_001374798.1); c.799_800del, p.Leu267fs (NM_001374797.1); short protein forms L267fs, L318fs, L259fs, L208fs, L349fs.
Identifiers: ClinVar variation 1428290 (VCV001428290.6), dbSNP rs2133068002, ClinGen allele CA2573144549.